The following is an entry in ClinVar:

ClinVar aggregate classification (germline): Uncertain significance (1 of 4 stars; one submission).

Conditions:
Familial hypocalciuric hypercalcemia (FHH). Also called: Familial benign hypercalcemia. Identifiers: Orphanet 405, MedGen C1809471, MONDO:0018458.
Autosomal dominant hypocalcemia 1 (HYPOC1). Also called: HYPOCALCEMIA, FAMILIAL. Identifiers: MedGen C3715128, MONDO:0011013, OMIM 601198.

Submission:

Labcorp Genetics (formerly Invitae), Labcorp
Classification: Uncertain significance for Familial hypocalciuric hypercalcemia; Autosomal dominant hypocalcemia 1. Last evaluated: 2022-09-02. Review status: criteria provided, single submitter. Criteria: Invitae Variant Classification Sherloc (09022015). Collection method: clinical testing. Allele origin: germline.
Comment: In summary, the available evidence is currently insufficient to determine the role of this variant in disease. Therefore, it has been classified as a Variant of Uncertain Significance. Algorithms developed to predict the effect of missense changes on protein structure and function are either unavailable or do not agree on the potential impact of this missense change (SIFT: "Deleterious"; PolyPhen-2: "Possibly Damaging"; Align-GVGD: "Class C15"). This variant has not been reported in the literature in individuals affected with CASR-related conditions. This variant is not present in population databases (gnomAD no frequency). This sequence change replaces tyrosine, which is neutral and polar, with aspartic acid, which is acidic and polar, at codon 411 of the CASR protein (p.Tyr411Asp).

NM_000388.4(CASR):c.1231T>G (p.Tyr411Asp)

Gene: CASR (calcium sensing receptor; plus strand). Cytogenetic location: 3q21.1.
Variant type: single nucleotide variant.
Coding change: c.1231T>G on transcript NM_000388.4 (MANE Select); coding-DNA position 1231, T replaced by G.
Protein change: p.Tyr411Asp; replaces tyrosine 411 with aspartic acid.
Molecular consequence: missense variant.
Genome position (GRCh38, 1-based): chr3:122,262,266, T>G. VCF-style: chr3-122262266-T-G. GRCh37 (hg19) VCF-style: chr3-121981113-T-G.
Other names: c.1231T>G, p.Tyr411Asp (NM_001178065.2); short protein forms Y411D.
Identifiers: ClinVar variation 1718715 (VCV001718715.6), dbSNP rs2473228654, ClinGen allele CA354152875.